The following is an entry in ClinVar:

ClinVar aggregate classification (germline): Likely pathogenic (1 of 4 stars; one submission).

Conditions:
Hereditary cancer-predisposing syndrome. Also called: Hereditary Cancer Syndrome; Hereditary neoplastic syndrome; Neoplastic Syndromes, Hereditary; Tumor predisposition. Identifiers: Orphanet 140162, MedGen C0027672, MeSH D009386, MONDO:0015356.

Submission:

Ambry Genetics
Classification: Likely pathogenic for Hereditary cancer-predisposing syndrome. Last evaluated: 2025-01-02. Review status: criteria provided, single submitter. Criteria: Ambry Variant Classification Scheme 2023. Collection method: clinical testing. Allele origin: germline.
Comment: The c.5770_5771insAlu likely pathogenic variant results from the insertion of an Alu element between nucleotides 5770 and 5771 in coding exon 38 of the ATM gene. Mobile element insertions contribute to pathogenicity by either disrupting the coding sequence or inducing aberrant splicing (Belancio VP et al. Semin. Cancer Biol. 2010 Aug;20:200-10; Deininger P et al. Genome Biol. 2011 Dec;12:236; van der Klift HM Hum Mutat. 2012 Jul;33(7):1051-5). Based on the majority of available evidence to date, this variant is likely to be pathogenic.

NM_000051.3:c.5770_5771insALU

Gene: ATM (ATM serine/threonine kinase; plus strand).
Variant type: Insertion.
Identifiers: ClinVar variation 1749549 (VCV001749549.3).